The following is an entry in ClinVar:

NM_006121.4(KRT1):c.1255-1G>T

Gene: KRT1 (keratin 1; minus strand). Cytogenetic location: 12q13.13.
Variant type: single nucleotide variant.
Coding change: c.1255-1G>T on transcript NM_006121.4 (MANE Select); the canonical splice acceptor site of the intron before coding-DNA position 1255, G replaced by T.
Molecular consequence: splice acceptor variant.
Genome position (GRCh38, 1-based): chr12:52,676,496, C>A on the plus strand (G>T on the coding strand, the complement: KRT1 is on the minus strand). VCF-style: chr12-52676496-C-A. GRCh37 (hg19) VCF-style: chr12-53070280-C-A.
Identifiers: ClinVar variation 4686620 (VCV004686620.2).
Genomic context (GRCh38, chr12:52,676,496, plus strand): 5'-CTTGAGGGCATTCTCGCCACGCTGCTCTGCATCACTGATGGACTGCTGCAAGTTGGAGAT[C>A]TGAAAAAGAATATGACACCCTCTCATAATATGCATTCCCCACTAGGCCTCCTCATCCCAA-3'

ClinVar aggregate classification (germline): Pathogenic. Review status: criteria provided, multiple submitters, no conflicts (2 of 4 stars). 2 submissions from 2 submitters: Pathogenic (2). Last evaluated 2020-09-24.

Conditions:
Diffuse nonepidermolytic palmoplantar keratoderma (NEPPK). Also called: Nonepidermolytic palmoplantar hyperkeratosis; Nonepidermolytic palmoplantar keratoderma. Identifiers: Orphanet 530838, MedGen C1833030, MONDO:0010962, OMIM 600962, HP:0007404.
KRT1-related disorder. Also called: KRT1-related condition.

Submissions (2):

Blueprint Genetics
Classification: Pathogenic for KRT1-related disorders. Last evaluated: 2020-09-24. Review status: criteria provided, single submitter. Criteria: ACMG Guidelines, 2015. Collection method: clinical testing. Allele origin: germline. Affected: yes. Observed: 2 variant alleles.

Medical Genetics Laboratory, Niloo Shiraz Laboratory
Classification: Pathogenic for Diffuse nonepidermolytic palmoplantar keratoderma. Review status: criteria provided, single submitter. Criteria: ACMG Guidelines, 2015. Collection method: clinical testing. Allele origin: germline. Inheritance: Autosomal dominant inheritance. Affected: yes.
Comment: There is a patient in the Niloo-Genome database carrying a pathogenic splice-site mutation in the KRT1 gene (NM_006121:exon7:c.1255-1G>T). This mutation affects the canonical acceptor splice site and is predicted to cause aberrant splicing. The patient presents with palmoplantar keratoderma, and the same condition is also observed in the patient's siblings and mother, indicating a autosomal dominant inheritance pattern.